The following is an entry in ClinVar:

ClinVar aggregate classification (germline): Pathogenic (1 of 4 stars; one submission).

Submission:

Labcorp Genetics (formerly Invitae), Labcorp
Classification: Pathogenic. Last evaluated: 2024-05-06. Review status: criteria provided, single submitter. Criteria: Invitae Variant Classification Sherloc (09022015). Collection method: clinical testing. Allele origin: germline.
Comment: This variant, c.528_539del, results in the deletion of 4 amino acid(s) of the GATAD2B protein (p.Glu177_Leu180del), but otherwise preserves the integrity of the reading frame. This variant is not present in population databases (gnomAD no frequency). This variant has not been reported in the literature in individuals affected with GATAD2B-related conditions. This variant disrupts a region of the GATAD2B protein in which other variant(s) (p.Leu180Pro) have been determined to be pathogenic (PMID: 31949314). This suggests that this is a clinically significant region of the protein, and that variants that disrupt it are likely to be disease-causing. For these reasons, this variant has been classified as Pathogenic.

Literature cited by the submitters: PubMed 31949314.

NM_020699.4(GATAD2B):c.528_539del (p.Glu177_Leu180del)

Gene: GATAD2B (GATA zinc finger domain containing 2B; minus strand). Cytogenetic location: 1q21.3.
Variant type: Deletion.
Coding change: c.528_539del on transcript NM_020699.4 (MANE Select); coding-DNA positions 528 to 539, 12 bases deleted (AGAAGCCCGACT).
Protein change: p.Glu177_Leu180del.
Genome position (GRCh38, 1-based): chr1:153,818,849-153,818,860, AGTCGGGCTTCT deleted on the plus strand (AGAAGCCCGACT on the coding strand, the reverse complement: GATAD2B is on the minus strand). VCF-style (leftmost placement, unchanged base first): chr1-153818848-CAGTCGGGCTTCT-C. GRCh37 (hg19) VCF-style: chr1-153791324-CAGTCGGGCTTCT-C.
Identifiers: ClinVar variation 3652338 (VCV003652338.2).
Genomic context (GRCh38, chr1:153,818,848, plus strand): 5'-TACCTTCTGGACCACATTCTCTTTCTGTAGCTGACTCTGTCTCAGTTTCTTTAACAGGAC[CAGTCGGGCTTCT>C]TCCAATCGTAGCTCATCCCTCAGCTGCTTGATAAGCTGCTGCCGCTCCTCAATGCCTTTC-3'